The following is an entry in ClinVar:

NM_000548.5(TSC2):c.378C>G (p.Val126=)

Gene: TSC2 (TSC complex subunit 2; plus strand). Cytogenetic location: 16p13.3.
Variant type: single nucleotide variant.
Coding change: c.378C>G on transcript NM_000548.5 (MANE Select); coding-DNA position 378, C replaced by G.
Protein change: p.Val126=; no amino-acid change (valine 126 retained).
Molecular consequence: synonymous variant. On other transcripts: intron variant (1).
Genome position (GRCh38, 1-based): chr16:2,054,337, C>G. VCF-style: chr16-2054337-C-G. GRCh37 (hg19) VCF-style: chr16-2104338-C-G.
Other names: c.378C>G (NM_000548.3); c.378C>G, p.Val126= (NM_001077183.3, NM_001114382.3, NM_001363528.2 and 3 more transcripts); c.267C>G, p.Val89= (NM_001318827.2); c.231C>G, p.Val77= (NM_001318829.2); c.411C>G, p.Val137= (NM_001318832.2); c.-1-1859C>G (NM_001318831.2).
Identifiers: ClinVar variation 1126477 (VCV001126477.11), dbSNP rs1222534983, ClinGen allele CA492955373.

ClinVar aggregate classification (germline): Benign/Likely benign. Review status: criteria provided, multiple submitters, no conflicts (2 of 4 stars). 3 submissions from 3 submitters: Benign (1); Likely benign (2). Last evaluated 2025-12-29.

Conditions:
Hereditary cancer-predisposing syndrome. Also called: Neoplastic Syndromes, Hereditary; Tumor predisposition; Hereditary Cancer Syndrome; Hereditary neoplastic syndrome. Identifiers: Orphanet 140162, MedGen C0027672, MeSH D009386, MONDO:0015356.
Tuberous sclerosis 2 (TSC2). Identifiers: Orphanet 805, MedGen C1860707, MONDO:0013199, OMIM 613254.

Allele frequency attached by ClinVar (database versions not stated): gnomAD exomes below 0.00001; TOPMed below 0.00001; gnomAD 0.00001.
gnomAD v4.1: 1 of 1,614,024 alleles (0.000062%); highest among the groups gnomAD compares: African/African-American, 0.0013%; no homozygotes.

Submissions (3):

Labcorp Genetics (formerly Invitae), Labcorp
Classification: Likely benign for Tuberous sclerosis 2. Last evaluated: 2025-12-29. Review status: criteria provided, single submitter. Criteria: Invitae Variant Classification Sherloc (09022015). Collection method: clinical testing. Allele origin: germline.

Myriad Genetics, Inc.
Classification: Benign for Tuberous sclerosis 2. Last evaluated: 2025-05-02. Review status: criteria provided, single submitter. Criteria: Myriad Autosomal Dominant, Autosomal Recessive and X-Linked Classification Criteria (2023). Collection method: clinical testing. Allele origin: unknown.
Comment: This variant is considered benign. This variant is a silent/synonymous amino acid change and it is not expected to impact splicing.

Ambry Genetics
Classification: Likely benign for Hereditary cancer-predisposing syndrome. Last evaluated: 2023-12-22. Review status: criteria provided, single submitter. Criteria: Ambry Variant Classification Scheme 2023. Collection method: clinical testing. Allele origin: germline.